The following is an entry in ClinVar:

ClinVar aggregate classification (germline): Uncertain significance. Review status: criteria provided, multiple submitters, no conflicts (2 of 4 stars). 2 submissions from 2 submitters: Uncertain significance (2). Last evaluated 2026-01-11.

Conditions:
Hereditary nonpolyposis colorectal neoplasms. Identifiers: MedGen C0009405, MeSH D003123.
Hereditary cancer-predisposing syndrome. Also called: Neoplastic Syndromes, Hereditary; Tumor predisposition; Hereditary Cancer Syndrome; Hereditary neoplastic syndrome. Identifiers: Orphanet 140162, MedGen C0027672, MeSH D009386, MONDO:0015356.

Submissions (2):

Labcorp Genetics (formerly Invitae), Labcorp
Classification: Uncertain significance for Hereditary nonpolyposis colorectal neoplasms. Last evaluated: 2026-01-11. Review status: criteria provided, single submitter. Criteria: Invitae Variant Classification Sherloc (09022015). Collection method: clinical testing. Allele origin: germline.
Comment: This sequence change replaces aspartic acid, which is acidic and polar, with tyrosine, which is neutral and polar, at codon 534 of the PMS2 protein (p.Asp534Tyr). This variant is not present in population databases (gnomAD no frequency). This variant has not been reported in the literature in individuals affected with PMS2-related conditions. ClinVar contains an entry for this variant (Variation ID: 819643). Invitae Evidence Modeling incorporating data from in vitro experimental studies (internal data) indicates that this missense variant is not expected to disrupt PMS2 function with a negative predictive value of 95%. In summary, the available evidence is currently insufficient to determine the role of this variant in disease. Therefore, it has been classified as a Variant of Uncertain Significance.

Ambry Genetics
Classification: Uncertain significance for Hereditary cancer-predisposing syndrome. Last evaluated: 2018-03-30. Review status: criteria provided, single submitter. Criteria: Ambry Variant Classification Scheme 2023. Collection method: clinical testing. Allele origin: germline.
Comment: The p.D534Y variant (also known as c.1600G>T), located in coding exon 11 of the PMS2 gene, results from a G to T substitution at nucleotide position 1600. The aspartic acid at codon 534 is replaced by tyrosine, an amino acid with highly dissimilar properties. This amino acid position is not well conserved in available vertebrate species. In addition, this alteration is predicted to be tolerated by in silico analysis. Since supporting evidence is limited at this time, the clinical significance of this alteration remains unclear.

NM_000535.7(PMS2):c.1600G>T (p.Asp534Tyr)

Gene: PMS2 (PMS1 homolog 2, mismatch repair system component; minus strand). Cytogenetic location: 7p22.1.
Variant type: single nucleotide variant.
Coding change: c.1600G>T on transcript NM_000535.7 (MANE Select); coding-DNA position 1600, G replaced by T.
Protein change: p.Asp534Tyr; replaces aspartic acid 534 with tyrosine.
Molecular consequence: missense variant. On other transcripts: non-coding transcript variant (1).
Genome position (GRCh38, 1-based): chr7:5,987,165, C>A on the plus strand (G>T on the coding strand, the complement: PMS2 is on the minus strand). VCF-style: chr7-5987165-C-A. GRCh37 (hg19) VCF-style: chr7-6026796-C-A.
Other names: c.1195G>T, p.Asp399Tyr (NM_001322003.2, NM_001322004.2, NM_001322005.2 and 1 more transcripts); c.1444G>T, p.Asp482Tyr (NM_001322006.2); c.1282G>T, p.Asp428Tyr (NM_001322007.2, NM_001322008.2); c.1039G>T, p.Asp347Tyr (NM_001322010.2); c.667G>T, p.Asp223Tyr (NM_001322011.2, NM_001322012.2); c.1027G>T, p.Asp343Tyr (NM_001322013.2); c.1600G>T, p.Asp534Tyr (NM_001322014.2); c.1291G>T, p.Asp431Tyr (NM_001322015.2); short protein forms D431Y, D534Y, D223Y, D482Y, D399Y, D428Y, D343Y, D347Y.
Identifiers: ClinVar variation 819643 (VCV000819643.7), dbSNP rs1583317784, ClinGen allele CA366741510.